The following is an entry in ClinVar:

NM_177433.3(MAGED2):c.1208+16C>T

Gene: MAGED2 (MAGE family member D2; plus strand). Cytogenetic location: Xp11.21.
Variant type: single nucleotide variant.
Coding change: c.1208+16C>T on transcript NM_177433.3 (MANE Select); 16 bases into the intron after coding-DNA position 1208, C replaced by T.
Molecular consequence: intron variant.
Genome position (GRCh38, 1-based): chrX:54,813,176, C>T. VCF-style: chrX-54813176-C-T. GRCh37 (hg19) VCF-style: chrX-54839609-C-T.
Other names: c.1208+16C>T (NM_014599.6, NM_201222.3).
Identifiers: ClinVar variation 2088151 (VCV002088151.4), dbSNP rs1929857756, ClinGen allele CA2580101255.

ClinVar aggregate classification (germline): Uncertain significance (1 of 4 stars; one submission).

Submission:

Labcorp Genetics (formerly Invitae), Labcorp
Classification: Uncertain significance. Last evaluated: 2022-09-06. Review status: criteria provided, single submitter. Criteria: Invitae Variant Classification Sherloc (09022015). Collection method: clinical testing. Allele origin: germline.
Comment: This variant is not present in population databases (gnomAD no frequency). This sequence change falls in intron 9 of the MAGED2 gene. It does not directly change the encoded amino acid sequence of the MAGED2 protein. This variant has not been reported in the literature in individuals affected with MAGED2-related conditions. In summary, the available evidence is currently insufficient to determine the role of this variant in disease. Therefore, it has been classified as a Variant of Uncertain Significance.